The following is an entry in ClinVar:

ClinVar aggregate classification (germline): Uncertain significance (1 of 4 stars; one submission).

Conditions:
Severe combined immunodeficiency due to DNA-PKcs deficiency. Also called: IMMUNODEFICIENCY 26 WITH NEUROLOGIC ABNORMALITIES; Immunodeficiency 26 with or without neurologic abnormalities. Identifiers: Orphanet 317425, MedGen C4014833, MONDO:0014423, OMIM 615966.

gnomAD v4.1: 1 of 1,525,600 alleles (0.000066%); highest among the groups gnomAD compares: Non-Finnish European, 0.000089%; no homozygotes.

Submission:

Labcorp Genetics (formerly Invitae), Labcorp
Classification: Uncertain significance for Severe combined immunodeficiency due to DNA-PKcs deficiency. Last evaluated: 2021-11-14. Review status: criteria provided, single submitter. Criteria: Invitae Variant Classification Sherloc (09022015). Collection method: clinical testing. Allele origin: germline.
Comment: In summary, the available evidence is currently insufficient to determine the role of this variant in disease. Therefore, it has been classified as a Variant of Uncertain Significance. Experimental studies and prediction algorithms are not available or were not evaluated, and the functional significance of this variant is currently unknown. This variant has not been reported in the literature in individuals affected with PRKDC-related conditions. This variant is not present in population databases (gnomAD no frequency). This sequence change replaces alanine, which is neutral and non-polar, with threonine, which is neutral and polar, at codon 845 of the PRKDC protein (p.Ala845Thr).

NM_006904.7(PRKDC):c.2533G>A (p.Ala845Thr)

Gene: PRKDC (protein kinase, DNA-activated, catalytic subunit; minus strand). Cytogenetic location: 8q11.21.
Variant type: single nucleotide variant.
Coding change: c.2533G>A on transcript NM_006904.7 (MANE Select); coding-DNA position 2533, G replaced by A.
Protein change: p.Ala845Thr; replaces alanine 845 with threonine.
Molecular consequence: missense variant.
Genome position (GRCh38, 1-based): chr8:47,915,412, C>T on the plus strand (G>A on the coding strand, the complement: PRKDC is on the minus strand). VCF-style: chr8-47915412-C-T. GRCh37 (hg19) VCF-style: chr8-48827972-C-T.
Other names: c.2533G>A, p.Ala845Thr (NM_001081640.2); short protein forms A845T.
Identifiers: ClinVar variation 1368398 (VCV001368398.4), dbSNP rs2154502880, ClinGen allele CA371160065.